The following is an entry in ClinVar:

ClinVar aggregate classification (germline): Uncertain significance (1 of 4 stars; one submission).

Allele frequency attached by ClinVar (database versions not stated): ExAC 0.00001.
gnomAD v4.1: 1 of 1,613,054 alleles (0.000062%); highest among the groups gnomAD compares: South Asian, 0.0011%; no homozygotes.

Submission:

Labcorp Genetics (formerly Invitae), Labcorp
Classification: Uncertain significance. Last evaluated: 2023-08-14. Review status: criteria provided, single submitter. Criteria: Invitae Variant Classification Sherloc (09022015). Collection method: clinical testing. Allele origin: germline.
Comment: In summary, the available evidence is currently insufficient to determine the role of this variant in disease. Therefore, it has been classified as a Variant of Uncertain Significance. An algorithm developed to predict the effect of missense changes on protein structure and function (PolyPhen-2) suggests that this variant is likely to be tolerated. This variant has not been reported in the literature in individuals affected with ACTN1-related conditions. This variant is present in population databases (rs758714570, gnomAD 0.003%). This sequence change replaces asparagine, which is neutral and polar, with lysine, which is basic and polar, at codon 863 of the ACTN1 protein (p.Asn863Lys).

NM_001130004.2(ACTN1):c.2589C>A (p.Asn863Lys)

Gene: ACTN1 (actinin alpha 1; minus strand). Cytogenetic location: 14q24.1.
Variant type: single nucleotide variant.
Coding change: c.2589C>A on transcript NM_001130004.2 (MANE Select); coding-DNA position 2589, C replaced by A.
Protein change: p.Asn863Lys; replaces asparagine 863 with lysine.
Molecular consequence: missense variant.
Genome position (GRCh38, 1-based): chr14:68,875,015, G>T on the plus strand (C>A on the coding strand, the complement: ACTN1 is on the minus strand). VCF-style: chr14-68875015-G-T. GRCh37 (hg19) VCF-style: chr14-69341732-G-T.
Other names: c.2523C>A, p.Asn841Lys (NM_001102.4); c.2508C>A, p.Asn836Lys (NM_001130005.2); c.2532C>A, p.Asn844Lys (NM_001411035.1); c.2328C>A, p.Asn776Lys (NM_001411036.1, NM_001424026.1); c.2652C>A, p.Asn884Lys (NM_001424012.1); c.2649C>A, p.Asn883Lys (NM_001424013.1); c.2637C>A, p.Asn879Lys (NM_001424014.1); c.2610C>A, p.Asn870Lys (NM_001424015.1); and 14 more; short protein forms N815K, N820K, N863K, N879K, N883K, N780K, N814K, N818K.
Identifiers: ClinVar variation 3009076 (VCV003009076.3), dbSNP rs758714570, ClinGen allele CA7241915.
Genomic context (GRCh38, chr14:68,875,015, plus strand): 5'-GATGCAGTACTCAGCCTGGTCGGGTGGCAGCTCGCGGCGCAGCTCGTCCATGGTAATGTA[G>T]TTCTGCGAGGAGAGAGTGGTCAGGAAGGCCGCAAAGTCCAGCAGCCGTAAAGCGGCGCGG-3'
Protein context (NP_001123476.1, residues 853-873): ASFKILAGDK[Asn863Lys]YITMDELRRE